The following is an entry in ClinVar:

ClinVar aggregate classification (germline): Uncertain significance (1 of 4 stars; one submission).

Submission:

GeneDx
Classification: Uncertain significance. Last evaluated: 2025-05-29. Review status: criteria provided, single submitter. Criteria: GeneDx Variant Classification Process June 2021. Collection method: clinical testing. Allele origin: germline. Affected: yes.
Comment: Not observed at significant frequency in large population cohorts (gnomAD); In silico analysis supports that this missense variant has a deleterious effect on protein structure/function; Has not been previously published as pathogenic or benign to our knowledge

NM_005546.4(ITK):c.796G>C (p.Asp266His)

Gene: ITK (IL2 inducible T cell kinase; plus strand). Cytogenetic location: 5q33.3.
Variant type: single nucleotide variant.
Coding change: c.796G>C on transcript NM_005546.4 (MANE Select); coding-DNA position 796, G replaced by C.
Protein change: p.Asp266His; replaces aspartic acid 266 with histidine.
Molecular consequence: missense variant.
Genome position (GRCh38, 1-based): chr5:157,238,136, G>C. VCF-style: chr5-157238136-G-C. GRCh37 (hg19) VCF-style: chr5-156665146-G-C.
Other names: short protein forms D266H.
Identifiers: ClinVar variation 4532759 (VCV004532759.1).
Genomic context (GRCh38, chr5:157,238,136, plus strand): 5'-TCACTAACTTTCCATTCTTTCTAACCATTCCAGGGCAAAGAAGGAGCCTTCATGGTAAGG[G>C]ATTCCAGGACTGCAGGAACATACACCGTGTCTGTTTTCACCAAGGCTGTTGTAAGGTATG-3'
Protein context (NP_005537.3, residues 256-276): TGKEGAFMVR[Asp266His]SRTAGTYTVS